The following is an entry in ClinVar:

ClinVar aggregate classification (germline): Conflicting classifications of pathogenicity. Review status: criteria provided, conflicting classifications (1 of 4 stars). 9 submissions from 9 submitters: Uncertain significance (7); Likely benign (2). Last evaluated 2026-08-23.

Conditions:
Familial hypercholesterolemia. Also called: Familial hypercholesterolemias; Familial hypercholesterolaemia. Identifiers: MedGen C0020445, MONDO:0005439.
Hypercholesterolemia, autosomal dominant, 3 (FHCL3). Also called: Familial Hypercholesterolemia, Autosomal Dominant, 3; Familial hypercholesterolemia 3; PCSK9-Related Familial Hypercholesterolemia, Autosomal Dominant. Identifiers: MedGen C1863551, MONDO:0011369, OMIM 603776.
Cardiovascular phenotype. Identifiers: MedGen CN230736.

Allele frequency attached by ClinVar (database versions not stated): gnomAD exomes 0.00002 and 0.00004; TOPMed 0.00003; ExAC 0.00004; gnomAD 0.00004 and 0.00005; ESP Exome Variant Server 0.00015.
gnomAD v4.1: 35 of 1,613,202 alleles (0.0022%); highest among the groups gnomAD compares: Middle Eastern, 0.033%; no homozygotes.

Submissions (9):

Ambry Genetics
Classification: Uncertain significance for Cardiovascular phenotype. Last evaluated: 2026-08-23. Review status: criteria provided, single submitter. Criteria: Ambry Variant Classification Scheme 2023. Collection method: clinical testing. Allele origin: germline.
Comment: The c.752G>A (p.R251H) alteration is located in exon 5 (coding exon 5) of the PCSK9 gene. This alteration results from a G to A substitution at nucleotide position 752, causing the arginine (R) at amino acid position 251 to be replaced by a histidine (H). Based on data from gnomAD, the A allele has an overall frequency of 0.004% (12/280358) total alleles studied. The highest observed frequency was 0.035% (7/19896) of East Asian alleles. Based on insufficient or conflicting evidence, the clinical significance of this alteration remains unclear.

Labcorp Genetics (formerly Invitae), Labcorp
Classification: Uncertain significance for Hypercholesterolemia, autosomal dominant, 3. Last evaluated: 2025-12-14. Review status: criteria provided, single submitter. Criteria: Invitae Variant Classification Sherloc (09022015). Collection method: clinical testing. Allele origin: germline.
Comment: This sequence change replaces arginine, which is basic and polar, with histidine, which is basic and polar, at codon 251 of the PCSK9 protein (p.Arg251His). This variant is present in population databases (rs376945520, gnomAD 0.03%). This missense change has been observed in individual(s) with hypercholesterolaemia (PMID: 35047021). ClinVar contains an entry for this variant (Variation ID: 630152). Invitae Evidence Modeling of protein sequence and biophysical properties (such as structural, functional, and spatial information, amino acid conservation, physicochemical variation, residue mobility, and thermodynamic stability) indicates that this missense variant is expected to disrupt PCSK9 protein function with a positive predictive value of 80%. In summary, the available evidence is currently insufficient to determine the role of this variant in disease. Therefore, it has been classified as a Variant of Uncertain Significance.

Women's Health and Genetics/Laboratory Corporation of America, LabCorp
Classification: Likely benign. Last evaluated: 2025-05-02. Review status: criteria provided, single submitter. Criteria: LabCorp Variant Classification Summary - May 2015. Collection method: clinical testing. Allele origin: germline.
Comment: Variant summary: PCSK9 c.752G>A (p.Arg251His) results in a non-conservative amino acid change in the encoded protein sequence. Algorithms developed to predict the effect of missense changes on protein structure and function all suggest that this variant is likely to be disruptive. The variant allele was found at a frequency of 4.4e-05 in 248968 control chromosomes. The observed variant frequency is approximately 1.18 fold of the estimated maximal expected allele frequency for a pathogenic variant in PCSK9 causing Familial Hypercholesterolemia phenotype (3.8e-05). c.752G>A has been observed in at-least one individual with hypercholesterolemia, without strong evidence of causality (example: Rimbert_2021). These report(s) do not provide unequivocal conclusions about association of the variant with Familial Hypercholesterolemia. To our knowledge, no experimental evidence demonstrating an impact on protein function has been reported. The following publication has been ascertained in the context of this evaluation (PMID: 35047021). ClinVar contains an entry for this variant (Variation ID: 630152). Based on the evidence outlined above, the variant was classified as likely benign.

Quest Diagnostics Nichols Institute San Juan Capistrano
Classification: Likely benign. Last evaluated: 2025-01-24. Review status: criteria provided, single submitter. Criteria: Quest Diagnostics criteria. Collection method: clinical testing. Allele origin: unknown.

Blueprint Genetics
Classification: Uncertain significance. Last evaluated: 2024-08-13. Review status: criteria provided, single submitter. Criteria: ACMG Guidelines, 2015. Collection method: clinical testing. Allele origin: germline.

All of Us Research Program, National Institutes of Health
Classification: Uncertain significance for Hypercholesterolemia, autosomal dominant, 3. Last evaluated: 2024-04-16. Review status: criteria provided, single submitter. Criteria: ACMG Guidelines, 2015. Collection method: clinical testing. Allele origin: germline. Inheritance: Autosomal dominant inheritance. Observed: 10 variant alleles, 10 heterozygotes.
Comment: This missense variant replaces arginine with histidine at codon 251 of the PCSK9 protein. Computational prediction suggests that this variant may have deleterious impact on protein structure and function (internally defined REVEL score threshold >= 0.7, PMID: 27666373). To our knowledge, functional studies have not been reported for this variant. This variant has not been reported in individuals affected with familial hypercholesterolemia in the literature. This variant has been identified in 12/280358 chromosomes in the general population by the Genome Aggregation Database (gnomAD). The available evidence is insufficient to determine the role of this variant in disease conclusively. Therefore, this variant is classified as a Variant of Uncertain Significance.

This study involves interpretation of variants in research participants for the purpose of population health screening. Participant phenotype was not available at the time of variant classification. Additional details can be found in publication PMID: 35346344, PMCID: PMC8962531

Color Diagnostics, LLC DBA Color Health
Classification: Uncertain significance for Familial hypercholesterolemia. Last evaluated: 2024-03-07. Review status: criteria provided, single submitter. Criteria: ACMG Guidelines, 2015. Collection method: clinical testing. Allele origin: germline.
Comment: This missense variant replaces arginine with histidine at codon 251 of the PCSK9 protein. Computational prediction suggests that this variant may have a deleterious impact on protein structure and function. To our knowledge, functional studies have not been reported for this variant. This variant has not been reported in individuals affected with PCSK9-related disorders in the literature. This variant has been identified in 12/280358 chromosomes in the general population by the Genome Aggregation Database (gnomAD). The available evidence is insufficient to determine the role of this variant in disease conclusively. Therefore, this variant is classified as a Variant of Uncertain Significance.

Fulgent Genetics
Classification: Uncertain significance for Hypercholesterolemia, autosomal dominant, 3. Last evaluated: 2021-10-17. Review status: criteria provided, single submitter. Criteria: ACMG Guidelines, 2015. Collection method: clinical testing. Allele origin: unknown.

Juno Genomics, Hangzhou Juno Genomics, Inc
Classification: Uncertain significance for Hypercholesterolemia, autosomal dominant, 3. Review status: criteria provided, single submitter. Criteria: ACMG Guidelines, 2015. Collection method: clinical testing. Allele origin: germline. Affected: yes.
Comment: Absent from controls (or at extremely low frequency if recessive) in Genome Aggregation Database, Exome Sequencing Project, 1000 Genomes Project, or Exome Aggregation Consortium.;Multiple lines of computational evidence support a deleterious effect on the gene or gene product (conservation, evolutionary, splicing impact, etc).;Patient's phenotype or family history is highly specific for a disease with a single genetic etiology.

Literature cited by the submitters: PubMed 35047021 (cited by 3 submitters).

NM_174936.4(PCSK9):c.752G>A (p.Arg251His)

Gene: PCSK9 (proprotein convertase subtilisin/kexin type 9; plus strand). Cytogenetic location: 1p32.3.
Variant type: single nucleotide variant.
Coding change: c.752G>A on transcript NM_174936.4 (MANE Select); coding-DNA position 752, G replaced by A.
Protein change: p.Arg251His; replaces arginine 251 with histidine.
Molecular consequence: missense variant.
Genome position (GRCh38, 1-based): chr1:55,052,744, G>A. VCF-style: chr1-55052744-G-A. GRCh37 (hg19) VCF-style: chr1-55518417-G-A.
Other names: c.752G>A, p.Arg251His (NM_001407241.1, NM_001407244.1, NM_001407247.1); c.755G>A, p.Arg252His (NM_001407242.1); c.695G>A, p.Arg232His (NM_001407243.1); c.875G>A, p.Arg292His (NM_001407240.1); c.560G>A, p.Arg187His (NM_001407245.1); c.377G>A, p.Arg126His (NM_001407246.1); short protein forms R251H, R187H, R252H, R126H, R232H, R292H.
Identifiers: ClinVar variation 630152 (VCV000630152.22), dbSNP rs376945520, ClinGen allele CA044308.
Genomic context (GRCh38, chr1:55,052,744, plus strand): 5'-CAGGGGTGGTCAGCGGCCGGGATGCCGGCGTGGCCAAGGGTGCCAGCATGCGCAGCCTGC[G>A]CGTGCTCAACTGCCAAGGGAAGGGCACGGTTAGCGGCACCCTCATAGGTAAGTGATGGCC-3'
Protein context (NP_777596.2, residues 241-261): VAKGASMRSL[Arg251His]VLNCQGKGTV